The following is an entry in ClinVar:

NM_006947.4(SRP72):c.25G>T (p.Val9Leu)

Genes: SRP72 (signal recognition particle 72; plus strand), LOC129992625 (ATAC-STARR-seq lymphoblastoid active region 21580; plus strand). Cytogenetic location: 4q12.
Variant type: single nucleotide variant.
Coding change: c.25G>T on transcript NM_006947.4 (MANE Select); coding-DNA position 25, G replaced by T.
Protein change: p.Val9Leu; replaces valine 9 with leucine.
Molecular consequence: missense variant. On other transcripts: non-coding transcript variant (1).
Genome position (GRCh38, 1-based): chr4:56,467,660, G>T. VCF-style: chr4-56467660-G-T. GRCh37 (hg19) VCF-style: chr4-57333826-G-T.
Other names: c.25G>T (NM_006947.3); c.25G>T, p.Val9Leu (NM_001267722.2); short protein forms V9L.
Identifiers: ClinVar variation 2980555 (VCV002980555.5), dbSNP rs571949209, ClinGen allele CA97581319.

ClinVar aggregate classification (germline): Uncertain significance. Review status: criteria provided, multiple submitters, no conflicts (2 of 4 stars). 3 submissions from 3 submitters: Uncertain significance (3). Last evaluated 2026-01-01.

Allele frequency attached by ClinVar (database versions not stated): 1000 Genomes Project 0.00020; 1000 Genomes Project 30x 0.00016.
gnomAD v4.1: 6 of 1,560,210 alleles (0.00038%); highest among the groups gnomAD compares: East Asian, 0.0076%; no homozygotes.

Submissions (3):

Labcorp Genetics (formerly Invitae), Labcorp
Classification: Uncertain significance. Last evaluated: 2026-01-01. Review status: criteria provided, single submitter. Criteria: Invitae Variant Classification Sherloc (09022015). Collection method: clinical testing. Allele origin: germline.
Comment: This sequence change replaces valine, which is neutral and non-polar, with leucine, which is neutral and non-polar, at codon 9 of the SRP72 protein (p.Val9Leu). This variant is not present in population databases (gnomAD no frequency). This variant has not been reported in the literature in individuals affected with SRP72-related conditions. ClinVar contains an entry for this variant (Variation ID: 2980555). An algorithm developed to predict the effect of missense changes on protein structure and function (PolyPhen-2) suggests that this variant is likely to be tolerated. In summary, the available evidence is currently insufficient to determine the role of this variant in disease. Therefore, it has been classified as a Variant of Uncertain Significance.

Ambry Genetics
Classification: Uncertain significance. Last evaluated: 2025-01-27. Review status: criteria provided, single submitter. Criteria: Ambry Variant Classification Scheme 2023. Collection method: clinical testing. Allele origin: germline.
Comment: The p.V9L variant (also known as c.25G>T), located in coding exon 1 of the SRP72 gene, results from a G to T substitution at nucleotide position 25. The valine at codon 9 is replaced by leucine, an amino acid with highly similar properties. This amino acid position is conserved. In addition, this alteration is predicted to be tolerated by in silico analysis. Based on the available evidence, the clinical significance of this variant remains unclear.

GeneDx
Classification: Uncertain significance. Last evaluated: 2024-05-22. Review status: criteria provided, single submitter. Criteria: GeneDx Variant Classification Process June 2021. Collection method: clinical testing. Allele origin: germline. Affected: yes.
Comment: Not observed at significant frequency in large population cohorts (gnomAD); In silico analysis indicates that this missense variant does not alter protein structure/function; Has not been previously published as pathogenic or benign to our knowledge; This variant is associated with the following publications: (PMID: 28369529)